The following is an entry in ClinVar:

NM_052859.4(RFT1):c.1074C>T (p.Tyr358=)

Gene: RFT1 (RFT1 glycolipid translocator homolog; minus strand). Cytogenetic location: 3p21.1.
Variant type: single nucleotide variant.
Coding change: c.1074C>T on transcript NM_052859.4 (MANE Select); coding-DNA position 1074, C replaced by T.
Protein change: p.Tyr358=; no amino-acid change (tyrosine 358 retained).
Molecular consequence: synonymous variant.
Genome position (GRCh38, 1-based): chr3:53,103,981, G>A on the plus strand (C>T on the coding strand, the complement: RFT1 is on the minus strand). VCF-style: chr3-53103981-G-A. GRCh37 (hg19) VCF-style: chr3-53137997-G-A.
Identifiers: ClinVar variation 705706 (VCV000705706.9), dbSNP rs762817759, ClinGen allele CA2451255.
Genomic context (GRCh38, chr3:53,103,981, plus strand): 5'-CAGAAAAAATCCAGAAAAACTCTTGTGCGTACCGGATCCTGAGCTAAGCATGGTCCCTCC[G>A]TAGATATCCAGAGCCAGCTGAGAATAGGCAAAGCCAAAAACAGTGATGGTCAGGCCGGCC-3'
Protein context (NP_443091.1, residues 348-368): FAYSQLALDI[Tyr358=]GGTMLSSGSG

ClinVar aggregate classification (germline): Likely benign. Review status: criteria provided, multiple submitters, no conflicts (2 of 4 stars). 2 submissions from 2 submitters: Likely benign (2). Last evaluated 2026-09-01.

Conditions:
RFT1-congenital disorder of glycosylation (CDG1N). Also called: RFT1-CDG; Congenital disorder of glycosylation type In; CDG In. Identifiers: Orphanet 244310, MedGen C2677590, MONDO:0012783, OMIM 612015.

Allele frequency attached by ClinVar (database versions not stated): gnomAD 0.00001; TOPMed 0.00001; ExAC 0.00002; gnomAD exomes 0.00003.
gnomAD v4.1: 43 of 1,614,060 alleles (0.0027%); highest among the groups gnomAD compares: Admixed American, 0.01%; no homozygotes.

Submissions (2):

CeGaT Center for Human Genetics Tuebingen
Classification: Likely benign. Last evaluated: 2026-09-01. Review status: criteria provided, single submitter. Criteria: CeGaT Center For Human Genetics Tuebingen Variant Classification Criteria Version 2. Collection method: clinical testing. Allele origin: germline. Affected: yes. Observed: 1 variant allele.
Comment: RFT1: BP4, BP7

Labcorp Genetics (formerly Invitae), Labcorp
Classification: Likely benign for RFT1-congenital disorder of glycosylation. Last evaluated: 2025-12-16. Review status: criteria provided, single submitter. Criteria: Invitae Variant Classification Sherloc (09022015). Collection method: clinical testing. Allele origin: germline.